The following is an entry in ClinVar:

NM_000234.3(LIG1):c.2216C>A (p.Ser739Ter)

Gene: LIG1 (DNA ligase 1; minus strand). Cytogenetic location: 19q13.33.
Variant type: single nucleotide variant.
Coding change: c.2216C>A on transcript NM_000234.3 (MANE Select); coding-DNA position 2216, C replaced by A.
Protein change: p.Ser739Ter; replaces serine 739 with a stop codon.
Molecular consequence: nonsense. On other transcripts: non-coding transcript variant (6).
Genome position (GRCh38, 1-based): chr19:48,122,950, G>T on the plus strand (C>A on the coding strand, the complement: LIG1 is on the minus strand). VCF-style: chr19-48122950-G-T. GRCh37 (hg19) VCF-style: chr19-48626207-G-T.
Other names: c.2123C>A, p.Ser708Ter (NM_001289063.2); c.2012C>A, p.Ser671Ter (NM_001289064.2); c.2213C>A, p.Ser738Ter (NM_001320970.2); c.2126C>A, p.Ser709Ter (NM_001320971.2); short protein forms S671*, S708*, S709*, S738*, S739*.
Identifiers: ClinVar variation 1311897 (VCV001311897.2), dbSNP rs751658356, ClinGen allele CA309281039.

ClinVar aggregate classification (germline): Uncertain significance (1 of 4 stars; one submission).

Allele frequency attached by ClinVar (database versions not stated): gnomAD exomes below 0.00001; gnomAD 0.00001; TOPMed 0.00001.
gnomAD v4.1: 16 of 1,613,420 alleles (0.00099%); highest among the groups gnomAD compares: Non-Finnish European, 0.0014%; no homozygotes.

Submission:

GeneDx
Classification: Uncertain significance. Last evaluated: 2019-09-10. Review status: criteria provided, single submitter. Criteria: GeneDx Variant Classification Process June 2021. Collection method: clinical testing. Allele origin: germline. Affected: yes.
Comment: Not observed at a significant frequency in large population cohorts (Lek et al., 2016); Nonsense variant predicted to result in protein truncation or nonsense mediated decay in a gene for which loss-of-function is not a known mechanism of disease; Has not been previously published as pathogenic or benign to our knowledge